The following is an entry in ClinVar:

NM_000368.5(TSC1):c.656T>G (p.Val219Gly)

Gene: TSC1 (TSC complex subunit 1; minus strand). Cytogenetic location: 9q34.13.
Variant type: single nucleotide variant.
Coding change: c.656T>G on transcript NM_000368.5 (MANE Select); coding-DNA position 656, T replaced by G.
Protein change: p.Val219Gly; replaces valine 219 with glycine.
Molecular consequence: missense variant.
Genome position (GRCh38, 1-based): chr9:132,921,826, A>C on the plus strand (T>G on the coding strand, the complement: TSC1 is on the minus strand). VCF-style: chr9-132921826-A-C. GRCh37 (hg19) VCF-style: chr9-135797213-A-C.
Other names: c.656T>G, p.Val219Gly (NM_001162426.2, NM_001406592.1, NM_001406593.1 and 16 more transcripts); c.503T>G, p.Val168Gly (NM_001162427.2, NM_001406610.1, NM_001406611.1 and 2 more transcripts); c.293T>G, p.Val98Gly (NM_001362177.2, NM_001406614.1, NM_001406615.1 and 10 more transcripts); c.-222T>G (NM_001406626.1, NM_001406627.1, NM_001406628.1); c.-364T>G (NM_001406629.1); c.-438T>G (NM_001406630.1); short protein forms V168G, V219G, V98G.
Identifiers: ClinVar variation 2443689 (VCV002443689.1), dbSNP rs2539008257, ClinGen allele CA375371641.

ClinVar aggregate classification (germline): Uncertain significance (1 of 4 stars; one submission).

Submission:

GeneDx
Classification: Uncertain significance. Last evaluated: 2022-09-09. Review status: criteria provided, single submitter. Criteria: GeneDx Variant Classification Process June 2021. Collection method: clinical testing. Allele origin: germline. Affected: yes.
Comment: Not observed at significant frequency in large population cohorts (gnomAD); In silico analysis supports that this missense variant has a deleterious effect on protein structure/function; Has not been previously published as pathogenic or benign to our knowledge